The following is an entry in ClinVar:

NM_016222.4(DDX41):c.728G>T (p.Cys243Phe)

Gene: DDX41 (DEAD-box helicase 41; minus strand). Cytogenetic location: 5q35.3.
Variant type: single nucleotide variant.
Coding change: c.728G>T on transcript NM_016222.4 (MANE Select); coding-DNA position 728, G replaced by T.
Protein change: p.Cys243Phe; replaces cysteine 243 with phenylalanine.
Molecular consequence: missense variant.
Genome position (GRCh38, 1-based): chr5:177,514,986, C>A on the plus strand (G>T on the coding strand, the complement: DDX41 is on the minus strand). VCF-style: chr5-177514986-C-A. GRCh37 (hg19) VCF-style: chr5-176941987-C-A.
Other names: c.350G>T, p.Cys117Phe (NM_001321732.2, NM_001321830.2); short protein forms C117F, C243F.
Identifiers: ClinVar variation 3838978 (VCV003838978.2).
Genomic context (GRCh38, chr5:177,514,986, plus strand): 5'-ATGATGAGTCCATAGGGCCCCTCGCGCTTTGAGAAGGGTAACCTCTTCTCTTGTTCCAGG[C>A]AGAACATGATGACGGGCAACGTGAACACCAGTGTCTTGCCTGAACCCGTGAAAGCGATGC-3'
Protein context (NP_057306.2, residues 233-253): LVFTLPVIMF[Cys243Phe]LEQEKRLPFS

ClinVar aggregate classification (germline): Uncertain significance. Review status: criteria provided, multiple submitters, no conflicts (2 of 4 stars). 2 submissions from 2 submitters: Uncertain significance (2). Last evaluated 2025-09-25.

Conditions:
Inborn genetic diseases. Identifiers: MedGen C0950123, MeSH D030342.

Submissions (2):

Labcorp Genetics (formerly Invitae), Labcorp
Classification: Uncertain significance. Last evaluated: 2025-09-25. Review status: criteria provided, single submitter. Criteria: Invitae Variant Classification Sherloc (09022015). Collection method: clinical testing. Allele origin: germline.
Comment: This sequence change replaces cysteine, which is neutral and slightly polar, with phenylalanine, which is neutral and non-polar, at codon 243 of the DDX41 protein (p.Cys243Phe). This variant is not present in population databases (gnomAD no frequency). This variant has not been reported in the literature in individuals affected with DDX41-related conditions. ClinVar contains an entry for this variant (Variation ID: 3838978). An algorithm developed to predict the effect of missense changes on protein structure and function (PolyPhen-2) suggests that this variant is likely to be disruptive. In summary, the available evidence is currently insufficient to determine the role of this variant in disease. Therefore, it has been classified as a Variant of Uncertain Significance.

Ambry Genetics
Classification: Uncertain significance for Inborn genetic diseases. Last evaluated: 2025-01-06. Review status: criteria provided, single submitter. Criteria: Ambry Variant Classification Scheme 2023. Collection method: clinical testing. Allele origin: germline.
Comment: The p.C243F variant (also known as c.728G>T), located in coding exon 8 of the DDX41 gene, results from a G to T substitution at nucleotide position 728. The cysteine at codon 243 is replaced by phenylalanine, an amino acid with highly dissimilar properties. This amino acid position is conserved. In addition, the in silico prediction for this alteration is inconclusive. Based on the available evidence, the clinical significance of this variant remains unclear.